The following is an entry in ClinVar:

NM_003803.4(MYOM1):c.1927G>A (p.Asp643Asn)

Gene: MYOM1 (myomesin 1; minus strand). Cytogenetic location: 18p11.31.
Variant type: single nucleotide variant.
Coding change: c.1927G>A on transcript NM_003803.4 (MANE Select); coding-DNA position 1927, G replaced by A.
Protein change: p.Asp643Asn; replaces aspartic acid 643 with asparagine.
Molecular consequence: missense variant.
Genome position (GRCh38, 1-based): chr18:3,142,037, C>T on the plus strand (G>A on the coding strand, the complement: MYOM1 is on the minus strand). VCF-style: chr18-3142037-C-T. GRCh37 (hg19) VCF-style: chr18-3142035-C-T.
Other names: c.1927G>A, p.Asp643Asn (NM_019856.2); short protein forms D643N.
Identifiers: ClinVar variation 2194620 (VCV002194620.4), dbSNP rs2510651049, ClinGen allele CA401713783.

ClinVar aggregate classification (germline): Uncertain significance (1 of 4 stars; one submission).

Conditions:
Hypertrophic cardiomyopathy. Also called: HYPERTROPHIC MYOCARDIOPATHY. Identifiers: Orphanet 217569, MedGen C0007194, MeSH D002312, MONDO:0005045, HP:0001639.

Submission:

Labcorp Genetics (formerly Invitae), Labcorp
Classification: Uncertain significance for Hypertrophic cardiomyopathy. Last evaluated: 2025-07-18. Review status: criteria provided, single submitter. Criteria: Invitae Variant Classification Sherloc (09022015). Collection method: clinical testing. Allele origin: germline.
Comment: This sequence change replaces aspartic acid, which is acidic and polar, with asparagine, which is neutral and polar, at codon 643 of the MYOM1 protein (p.Asp643Asn). This variant is not present in population databases (gnomAD no frequency). This variant has not been reported in the literature in individuals affected with MYOM1-related conditions. ClinVar contains an entry for this variant (Variation ID: 2194620). Invitae Evidence Modeling of protein sequence and biophysical properties (such as structural, functional, and spatial information, amino acid conservation, physicochemical variation, residue mobility, and thermodynamic stability) indicates that this missense variant is not expected to disrupt MYOM1 protein function with a negative predictive value of 80%. In summary, the available evidence is currently insufficient to determine the role of this variant in disease. Therefore, it has been classified as a Variant of Uncertain Significance.